The following is an entry in ClinVar:

NC_000023.10:g.(?_85233751)_(85302644_?)del

Gene: CHM (CHM Rab escort protein; minus strand). Cytogenetic location: Xq21.2.
Variant type: Deletion.
Identifiers: ClinVar variation 2423004 (VCV002423004.3).

ClinVar aggregate classification (germline): Pathogenic (1 of 4 stars; one submission).

Submission:

Labcorp Genetics (formerly Invitae), Labcorp
Classification: Pathogenic. Last evaluated: 2021-12-18. Review status: criteria provided, single submitter. Criteria: Invitae Variant Classification Sherloc (09022015). Collection method: clinical testing. Allele origin: germline.
Comment: This variant is a gross deletion of the genomic region encompassing exon(s) 1-4 of the CHM gene, which includes the initiator codon. This deletion extends beyond the assayed region for this gene and therefore may encompass additional genes. It is expected to result in an absent or disrupted protein product. Loss-of-function variants in CHM are known to be pathogenic (PMID: 9067750, 23811034). This variant has not been reported in the literature in individuals affected with CHM-related conditions. For these reasons, this variant has been classified as Pathogenic.

Literature cited by the submitters: PubMed 9067750; PubMed 23811034.